The following is an entry in ClinVar:

NM_006019.4(TCIRG1):c.1162C>T (p.Pro388Ser)

Gene: TCIRG1 (T cell immune regulator 1, ATPase H+ transporting V0 subunit a3; plus strand). Cytogenetic location: 11q13.2.
Variant type: single nucleotide variant.
Coding change: c.1162C>T on transcript NM_006019.4 (MANE Select); coding-DNA position 1162, C replaced by T.
Protein change: p.Pro388Ser; replaces proline 388 with serine.
Molecular consequence: missense variant.
Genome position (GRCh38, 1-based): chr11:68,045,099, C>T. VCF-style: chr11-68045099-C-T. GRCh37 (hg19) VCF-style: chr11-67812566-C-T.
Other names: c.268C>T, p.Pro90Ser (NM_001351059.2); c.514C>T, p.Pro172Ser (NM_006053.4); short protein forms P172S, P388S, P90S.
Identifiers: ClinVar variation 2145382 (VCV002145382.25), dbSNP rs746538370, ClinGen allele CA6146965.

ClinVar aggregate classification (germline): Uncertain significance. Review status: criteria provided, multiple submitters, no conflicts (2 of 4 stars). 2 submissions from 2 submitters: Uncertain significance (2). Last evaluated 2022-10-01.

Allele frequency attached by ClinVar (database versions not stated): TOPMed 0.00001; ExAC 0.00003.
gnomAD v4.1: 4 of 1,600,986 alleles (0.00025%); highest among the groups gnomAD compares: Admixed American, 0.0017%; no homozygotes.

Submissions (2):

CeGaT Center for Human Genetics Tuebingen
Classification: Uncertain significance. Last evaluated: 2022-10-01. Review status: criteria provided, single submitter. Criteria: CeGaT Center For Human Genetics Tuebingen Variant Classification Criteria Version 2. Collection method: clinical testing. Allele origin: germline. Affected: yes. Observed: 1 variant allele.
Comment: TCIRG1: PM2, PP3

Labcorp Genetics (formerly Invitae), Labcorp
Classification: Uncertain significance. Last evaluated: 2022-04-25. Review status: criteria provided, single submitter. Criteria: Invitae Variant Classification Sherloc (09022015). Collection method: clinical testing. Allele origin: germline.
Comment: This sequence change replaces proline, which is neutral and non-polar, with serine, which is neutral and polar, at codon 388 of the TCIRG1 protein (p.Pro388Ser). This variant is present in population databases (rs746538370, gnomAD 0.003%). This variant has not been reported in the literature in individuals affected with TCIRG1-related conditions. Algorithms developed to predict the effect of missense changes on protein structure and function are either unavailable or do not agree on the potential impact of this missense change (SIFT: "Deleterious"; PolyPhen-2: "Probably Damaging"; Align-GVGD: "Class C0"). In summary, the available evidence is currently insufficient to determine the role of this variant in disease. Therefore, it has been classified as a Variant of Uncertain Significance.